The following is an entry in ClinVar:

NM_006086.4(TUBB3):c.167-5C>T

Gene: TUBB3 (tubulin beta 3 class III; plus strand). Cytogenetic location: 16q24.3.
Variant type: single nucleotide variant.
Coding change: c.167-5C>T on transcript NM_006086.4 (MANE Select); 5 bases into the intron before coding-DNA position 167, C replaced by T.
Molecular consequence: intron variant.
Genome position (GRCh38, 1-based): chr16:89,933,463, C>T. VCF-style: chr16-89933463-C-T. GRCh37 (hg19) VCF-style: chr16-89999871-C-T.
Other names: c.-50-5C>T (NM_001197181.2).
Identifiers: ClinVar variation 3895795 (VCV003895795.1).

ClinVar aggregate classification (germline): Benign (1 of 4 stars; one submission).

gnomAD v4.1: 109 of 1,612,800 alleles (0.0068%); highest among the groups gnomAD compares: Non-Finnish European, 0.0089%; no homozygotes.

Submission:

Women's Health and Genetics/Laboratory Corporation of America, LabCorp
Classification: Benign. Last evaluated: 2025-03-06. Review status: criteria provided, single submitter. Criteria: LabCorp Variant Classification Summary - May 2015. Collection method: clinical testing. Allele origin: germline.
Comment: Variant summary: TUBB3 c.167-5C>T alters a non-conserved nucleotide located close to a canonical splice site and therefore could affect mRNA splicing, leading to a significantly altered protein sequence. Consensus agreement among computation tools predict no significant impact on normal splicing. However, these predictions have yet to be confirmed by functional studies. The variant allele was found at a frequency of 6.8e-05 in 1612800 control chromosomes, predominantly at a frequency of 8.9e-05 within the Non-Finnish European subpopulation in the gnomAD database. The observed variant frequency within Non-Finnish European control individuals in the gnomAD database is approximately 8.9 fold of the estimated maximal expected allele frequency for a pathogenic variant in TUBB3 causing Fibrosis of extraocular muscles, congenital, 3A, with or without extraocular involvement phenotype (1e-05). To our knowledge, no occurrence of c.167-5C>T in individuals affected with Fibrosis of extraocular muscles, congenital, 3A, with or without extraocular involvement and no experimental evidence demonstrating its impact on protein function have been reported. No submitters have cited clinical-significance assessments for this variant to ClinVar. Based on the evidence outlined above, the variant was classified as benign.